The following is an entry in ClinVar:

ClinVar aggregate classification (germline): Uncertain significance (1 of 4 stars; one submission).

gnomAD v4.1: 11 of 1,613,250 alleles (0.00068%); highest among the groups gnomAD compares: South Asian, 0.0066%; no homozygotes.

Submission:

Labcorp Genetics (formerly Invitae), Labcorp
Classification: Uncertain significance. Last evaluated: 2025-04-30. Review status: criteria provided, single submitter. Criteria: Invitae Variant Classification Sherloc (09022015). Collection method: clinical testing. Allele origin: germline.
Comment: This sequence change replaces proline, which is neutral and non-polar, with leucine, which is neutral and non-polar, at codon 685 of the MYH9 protein (p.Pro685Leu). This variant is present in population databases (rs779853972, gnomAD 0.003%). This variant has not been reported in the literature in individuals affected with MYH9-related conditions. ClinVar contains an entry for this variant (Variation ID: 1916214). Invitae Evidence Modeling of protein sequence and biophysical properties (such as structural, functional, and spatial information, amino acid conservation, physicochemical variation, residue mobility, and thermodynamic stability) indicates that this missense variant is not expected to disrupt MYH9 protein function with a negative predictive value of 80%. In summary, the available evidence is currently insufficient to determine the role of this variant in disease. Therefore, it has been classified as a Variant of Uncertain Significance.

NM_002473.6(MYH9):c.2054C>T (p.Pro685Leu)

Gene: MYH9 (myosin heavy chain 9; minus strand). Cytogenetic location: 22q12.3.
Variant type: single nucleotide variant.
Coding change: c.2054C>T on transcript NM_002473.6 (MANE Select); coding-DNA position 2054, C replaced by T.
Protein change: p.Pro685Leu; replaces proline 685 with leucine.
Molecular consequence: missense variant.
Genome position (GRCh38, 1-based): chr22:36,306,035, G>A on the plus strand (C>T on the coding strand, the complement: MYH9 is on the minus strand). VCF-style: chr22-36306035-G-A. GRCh37 (hg19) VCF-style: chr22-36702081-G-A.
Other names: short protein forms P685L.
Identifiers: ClinVar variation 1916214 (VCV001916214.5), dbSNP rs779853972, ClinGen allele CA10210098.
Genomic context (GRCh38, chr22:36,306,035, plus strand): 5'-CGGCAGATACGGATGCCCTCGAGAACACCGTTGCAGCGCAGCTGGTCCAGCACGAGATGC[G>A]GGTCCAGCTTGCCGGCCTGGAGAAGAAAACACATGCATGCGGTCTCACTTCCGTGCCTAG-3'
Protein context (NP_002464.1, residues 675-695): NHEKKAGKLD[Pro685Leu]HLVLDQLRCN